The following is an entry in ClinVar:

ClinVar aggregate classification (germline): Uncertain significance. Review status: criteria provided, multiple submitters, no conflicts (2 of 4 stars). 2 submissions from 2 submitters: Uncertain significance (2). Last evaluated 2025-06-09.

Conditions:
Hypercoagulability syndrome due to glycosylphosphatidylinositol deficiency (GPIBD1). Also called: GLYCOSYLPHOSPHATIDYLINOSITOL BIOSYNTHESIS DEFECT 1. Identifiers: Orphanet 83639, MedGen C5201145, MONDO:0012465, OMIM 610293.

Allele frequency attached by ClinVar (database versions not stated): ESP Exome Variant Server 0.00008; ExAC 0.00012; gnomAD exomes 0.00012; TOPMed 0.00015.
gnomAD v4.1: 398 of 1,614,114 alleles (0.025%); highest among the groups gnomAD compares: Middle Eastern, 0.049%; no homozygotes.

Submissions (2):

Ambry Genetics
Classification: Uncertain significance. Last evaluated: 2025-06-09. Review status: criteria provided, single submitter. Criteria: Ambry Variant Classification Scheme 2023. Collection method: clinical testing. Allele origin: germline.

Labcorp Genetics (formerly Invitae), Labcorp
Classification: Uncertain significance for Hypercoagulability syndrome due to glycosylphosphatidylinositol deficiency. Last evaluated: 2024-10-26. Review status: criteria provided, single submitter. Criteria: Invitae Variant Classification Sherloc (09022015). Collection method: clinical testing. Allele origin: germline.
Comment: This sequence change replaces threonine, which is neutral and polar, with isoleucine, which is neutral and non-polar, at codon 77 of the PIGM protein (p.Thr77Ile). This variant is present in population databases (rs143391350, gnomAD 0.02%). This variant has not been reported in the literature in individuals affected with PIGM-related conditions. ClinVar contains an entry for this variant (Variation ID: 1478126). Invitae Evidence Modeling of protein sequence and biophysical properties (such as structural, functional, and spatial information, amino acid conservation, physicochemical variation, residue mobility, and thermodynamic stability) indicates that this missense variant is expected to disrupt PIGM protein function with a positive predictive value of 80%. In summary, the available evidence is currently insufficient to determine the role of this variant in disease. Therefore, it has been classified as a Variant of Uncertain Significance.

NM_145167.3(PIGM):c.230C>T (p.Thr77Ile)

Gene: PIGM (phosphatidylinositol glycan anchor biosynthesis class M; minus strand). Cytogenetic location: 1q23.2.
Variant type: single nucleotide variant.
Coding change: c.230C>T on transcript NM_145167.3 (MANE Select); coding-DNA position 230, C replaced by T.
Protein change: p.Thr77Ile; replaces threonine 77 with isoleucine.
Molecular consequence: missense variant.
Genome position (GRCh38, 1-based): chr1:160,031,510, G>A on the plus strand (C>T on the coding strand, the complement: PIGM is on the minus strand). VCF-style: chr1-160031510-G-A. GRCh37 (hg19) VCF-style: chr1-160001300-G-A.
Other names: c.230C>T (NM_145167.2); short protein forms T77I.
Identifiers: ClinVar variation 1478126 (VCV001478126.9), dbSNP rs143391350, ClinGen allele CA1193090.